The following is an entry in ClinVar:

NM_000138.5(FBN1):c.*2045G>A

Gene: FBN1 (fibrillin 1; minus strand). Cytogenetic location: 15q21.1.
Variant type: single nucleotide variant.
Coding change: c.*2045G>A on transcript NM_000138.5 (MANE Select); 2045 bases downstream of the stop codon, G replaced by A.
Molecular consequence: 3 prime UTR variant.
Genome position (GRCh38, 1-based): chr15:48,408,945, C>T on the plus strand (G>A on the coding strand, the complement: FBN1 is on the minus strand). VCF-style: chr15-48408945-C-T. GRCh37 (hg19) VCF-style: chr15-48701142-C-T.
Identifiers: ClinVar variation 884619 (VCV000884619.4), dbSNP rs372254135, ClinGen allele CA269518375.

ClinVar aggregate classification (germline): Conflicting classifications of pathogenicity. Review status: criteria provided, conflicting classifications (1 of 4 stars). 7 submissions from 1 submitter: Uncertain significance (1); Benign (5); Likely benign (1). Last evaluated 2018-01-13.

Conditions:
Familial thoracic aortic aneurysm and aortic dissection (TAAD). Also called: Thoracic aortic aneurysms and dissections. Identifiers: Orphanet 91387, MedGen C4707243, MONDO:0019625.
Geleophysic dysplasia. Identifiers: Orphanet 2623, MedGen C3489726, MONDO:0000127.
Weill-Marchesani syndrome. Also called: WM Syndrome; Mesodermal dysmorphodystrophy congenital. Identifiers: Orphanet 3449, MedGen C0265313, MONDO:0018096.
Marfan syndrome (MFS). Also called: FBN1-Related Marfan Syndrome; Marfan's syndrome; MARFAN SYNDROME, TYPE I; Marfan syndrome type 1; Marfan syndrome, classic. Identifiers: Orphanet 284963, Orphanet 558, MedGen C0024796, MONDO:0007947, OMIM 154700.
Stiff skin syndrome (SSKS). Identifiers: Orphanet 2833, MedGen C1861456, MONDO:0008492, OMIM 184900.
Acromicric dysplasia (ACMICD). Also called: Acromicric skeletal dysplasia. Identifiers: Orphanet 969, MedGen C0265287, MONDO:0007055, OMIM 102370.
Ectopia lentis 1, isolated, autosomal dominant (ECTOL1). Identifiers: Orphanet 1885, MedGen C3541518, MONDO:0007514, OMIM 129600.

Allele frequency attached by ClinVar (database versions not stated): 1000 Genomes Project 0.00040; gnomAD 0.00106 and 0.00097; 1000 Genomes Project 30x 0.00031; TOPMed 0.00115.

Submissions (7):

Illumina Laboratory Services, Illumina
Classification: Benign for Ectopia lentis 1, isolated, autosomal dominant. Last evaluated: 2018-01-13. Review status: criteria provided, single submitter. Criteria: ICSL Variant Classification Criteria 13 December 2019. Collection method: clinical testing. Allele origin: germline.
Comment: This variant was observed in the ICSL laboratory as part of a predisposition screen in an ostensibly healthy population. It had not been previously curated by ICSL or reported in the Human Gene Mutation Database (HGMD: prior to June 1st, 2018), and was therefore a candidate for classification through an automated scoring system. Utilizing variant allele frequency, disease prevalence and penetrance estimates, and inheritance mode, an automated score was calculated to assess if this variant is too frequent to cause the disease. Based on the score and internal cut-off values, a variant classified as benign is not then subjected to further curation. The score for this variant resulted in a classification of benign for this disease.

Illumina Laboratory Services, Illumina
Classification: Benign for Stiff skin syndrome. Last evaluated: 2018-01-13. Review status: criteria provided, single submitter. Criteria: ICSL Variant Classification Criteria 13 December 2019. Collection method: clinical testing. Allele origin: germline.
Comment: the same text as in the submission from Illumina Laboratory Services, Illumina above.

Illumina Laboratory Services, Illumina
Classification: Uncertain significance for Familial thoracic aortic aneurysm and aortic dissection. Last evaluated: 2018-01-13. Review status: criteria provided, single submitter. Criteria: ICSL Variant Classification Criteria 13 December 2019. Collection method: clinical testing. Allele origin: germline.

Illumina Laboratory Services, Illumina
Classification: Likely benign for Marfan syndrome. Last evaluated: 2018-01-13. Review status: criteria provided, single submitter. Criteria: ICSL Variant Classification Criteria 13 December 2019. Collection method: clinical testing. Allele origin: germline.
Comment: This variant was observed in the ICSL laboratory as part of a predisposition screen in an ostensibly healthy population. It had not been previously curated by ICSL or reported in the Human Gene Mutation Database (HGMD: prior to June 1st, 2018), and was therefore a candidate for classification through an automated scoring system. Utilizing variant allele frequency, disease prevalence and penetrance estimates, and inheritance mode, an automated score was calculated to assess if this variant is too frequent to cause the disease. Based on the score and internal cut-off values, a variant classified as likely benign is not then subjected to further curation. The score for this variant resulted in a classification of likely benign for this disease.

Illumina Laboratory Services, Illumina
Classification: Benign for Acromicric dysplasia. Last evaluated: 2018-01-13. Review status: criteria provided, single submitter. Criteria: ICSL Variant Classification Criteria 13 December 2019. Collection method: clinical testing. Allele origin: germline.
Comment: the same text as in the submission from Illumina Laboratory Services, Illumina above.

Illumina Laboratory Services, Illumina
Classification: Benign for Geleophysic dysplasia. Last evaluated: 2018-01-13. Review status: criteria provided, single submitter. Criteria: ICSL Variant Classification Criteria 13 December 2019. Collection method: clinical testing. Allele origin: germline.
Comment: the same text as in the submission from Illumina Laboratory Services, Illumina above.

Illumina Laboratory Services, Illumina
Classification: Benign for Weill-Marchesani syndrome. Last evaluated: 2018-01-13. Review status: criteria provided, single submitter. Criteria: ICSL Variant Classification Criteria 13 December 2019. Collection method: clinical testing. Allele origin: germline.
Comment: the same text as in the submission from Illumina Laboratory Services, Illumina above.